The following is an entry in ClinVar:

ClinVar aggregate classification (germline): Likely benign (1 of 4 stars; one submission).

Allele frequency attached by ClinVar (database versions not stated): 1000 Genomes Project 0.00040; 1000 Genomes Project 30x 0.00047; TOPMed 0.00119; gnomAD 0.00121; ExAC 0.00142; gnomAD exomes 0.00226; ESP Exome Variant Server 0.00259.

Submission:

CeGaT Center for Human Genetics Tuebingen
Classification: Likely benign. Last evaluated: 2022-03-01. Review status: criteria provided, single submitter. Criteria: CeGaT Center For Human Genetics Tuebingen Variant Classification Criteria Version 2. Collection method: clinical testing. Allele origin: germline. Affected: yes. Observed: 1 variant allele.
Comment: TSPYL4: BP4, BP7

NM_021648.5(TSPYL4):c.687G>A (p.Glu229=)

Gene: TSPYL4 (TSPY like 4; minus strand). Cytogenetic location: 6q22.1.
Variant type: single nucleotide variant.
Coding change: c.687G>A on transcript NM_021648.5 (MANE Select); coding-DNA position 687, G replaced by A.
Protein change: p.Glu229=; no amino-acid change (glutamic acid 229 retained).
Molecular consequence: synonymous variant.
Genome position (GRCh38, 1-based): chr6:116,253,322, C>T on the plus strand (G>A on the coding strand, the complement: TSPYL4 is on the minus strand). VCF-style: chr6-116253322-C-T. GRCh37 (hg19) VCF-style: chr6-116574485-C-T.
Identifiers: ClinVar variation 2656862 (VCV002656862.24), dbSNP rs2232471, ClinGen allele CA3968875.